The following is an entry in ClinVar:

NM_000465.4(BARD1):c.963A>G (p.Lys321=)

Gene: BARD1 (BRCA1 associated RING domain 1; minus strand). Cytogenetic location: 2q35.
Variant type: single nucleotide variant.
Coding change: c.963A>G on transcript NM_000465.4 (MANE Select); coding-DNA position 963, A replaced by G.
Protein change: p.Lys321=; no amino-acid change (lysine 321 retained).
Molecular consequence: synonymous variant. On other transcripts: non-coding transcript variant (2), intron variant (3).
Genome position (GRCh38, 1-based): chr2:214,780,911, T>C on the plus strand (A>G on the coding strand, the complement: BARD1 is on the minus strand). VCF-style: chr2-214780911-T-C. GRCh37 (hg19) VCF-style: chr2-215645635-T-C.
Other names: c.906A>G, p.Lys302= (NM_001282543.2); c.159-28356A>G (NM_001282548.2); c.215+16150A>G (NM_001282545.2); c.364+11386A>G (NM_001282549.2).
Identifiers: ClinVar variation 3379325 (VCV003379325.1).

ClinVar aggregate classification (germline): Benign (1 of 4 stars; one submission).

Conditions:
Familial cancer of breast. Also called: hereditary breast carcinoma; Hereditary breast cancer; BREAST CANCER, FAMILIAL. Identifiers: Orphanet 227535, MedGen C0346153, MONDO:0016419, OMIM 114480. Disease mechanism: loss of function.

Submission:

Myriad Genetics, Inc.
Classification: Benign for Familial cancer of breast. Last evaluated: 2024-07-23. Review status: criteria provided, single submitter. Criteria: Myriad Autosomal Dominant, Autosomal Recessive and X-Linked Classification Criteria (2023). Collection method: clinical testing. Allele origin: unknown.
Comment: This variant is considered benign. This variant is a silent/synonymous amino acid change and it is not expected to impact splicing.